The following is an entry in ClinVar:

ClinVar aggregate classification (germline): Uncertain significance (1 of 4 stars; one submission).

Conditions:
Familial cancer of breast. Also called: BREAST CANCER, FAMILIAL; Hereditary breast cancer; hereditary breast carcinoma. Identifiers: Orphanet 227535, MedGen C0346153, MONDO:0016419, OMIM 114480. Disease mechanism: loss of function.

Submission:

Labcorp Genetics (formerly Invitae), Labcorp
Classification: Uncertain significance for Familial cancer of breast. Last evaluated: 2025-12-24. Review status: criteria provided, single submitter. Criteria: Invitae Variant Classification Sherloc (09022015). Collection method: clinical testing. Allele origin: germline.
Comment: This sequence change replaces glutamic acid, which is acidic and polar, with lysine, which is basic and polar, at codon 308 of the CHEK2 protein (p.Glu308Lys). This variant is not present in population databases (gnomAD no frequency). This variant has not been reported in the literature in individuals affected with CHEK2-related conditions. ClinVar contains an entry for this variant (Variation ID: 2035913). An algorithm developed to predict the effect of missense changes on protein structure and function (PolyPhen-2) suggests that this variant is likely to be disruptive. In summary, the available evidence is currently insufficient to determine the role of this variant in disease. Therefore, it has been classified as a Variant of Uncertain Significance.

NM_007194.4(CHEK2):c.922G>A (p.Glu308Lys)

Gene: CHEK2 (checkpoint kinase 2; minus strand). Cytogenetic location: 22q12.1.
Variant type: single nucleotide variant.
Coding change: c.922G>A on transcript NM_007194.4 (MANE Select); coding-DNA position 922, G replaced by A.
Protein change: p.Glu308Lys; replaces glutamic acid 308 with lysine.
Molecular consequence: missense variant.
Genome position (GRCh38, 1-based): chr22:28,699,924, C>T on the plus strand (G>A on the coding strand, the complement: CHEK2 is on the minus strand). VCF-style: chr22-28699924-C-T. GRCh37 (hg19) VCF-style: chr22-29095912-C-T.
Other names: c.721G>A, p.Glu241Lys (NM_001349956.3); c.259G>A, p.Glu87Lys (NM_001257387.3); c.922G>A, p.Glu308Lys (NM_145862.3); c.1051G>A, p.Glu351Lys (NM_001005735.3); short protein forms E351K, E241K, E308K, E87K.
Identifiers: ClinVar variation 2035913 (VCV002035913.4), dbSNP rs1601739303, ClinGen allele CA411100104.